The following is an entry in ClinVar:

ClinVar aggregate classification (germline): Uncertain significance. Review status: criteria provided, multiple submitters, no conflicts (2 of 4 stars). 2 submissions from 2 submitters: Uncertain significance (2). Last evaluated 2023-03-13.

Conditions:
Inborn genetic diseases. Identifiers: MedGen C0950123, MeSH D030342.

gnomAD v4.1: 3 of 1,537,282 alleles (0.0002%); highest among the groups gnomAD compares: African/African-American, 0.0041%; no homozygotes.

Submissions (2):

Labcorp Genetics (formerly Invitae), Labcorp
Classification: Uncertain significance. Last evaluated: 2023-03-13. Review status: criteria provided, single submitter. Criteria: Invitae Variant Classification Sherloc (09022015). Collection method: clinical testing. Allele origin: germline.
Comment: In summary, the available evidence is currently insufficient to determine the role of this variant in disease. Therefore, it has been classified as a Variant of Uncertain Significance. Advanced modeling of protein sequence and biophysical properties (such as structural, functional, and spatial information, amino acid conservation, physicochemical variation, residue mobility, and thermodynamic stability) performed at Invitae indicates that this missense variant is not expected to disrupt NEFH protein function. ClinVar contains an entry for this variant (Variation ID: 1795179). This variant has not been reported in the literature in individuals affected with NEFH-related conditions. This variant is not present in population databases (gnomAD no frequency). This sequence change replaces valine, which is neutral and non-polar, with leucine, which is neutral and non-polar, at codon 91 of the NEFH protein (p.Val91Leu).

Ambry Genetics
Classification: Uncertain significance for Inborn genetic diseases. Last evaluated: 2022-04-26. Review status: criteria provided, single submitter. Criteria: Ambry Variant Classification Scheme 2023. Collection method: clinical testing. Allele origin: germline.
Comment: The p.V91L variant (also known as c.271G>T), located in coding exon 1 of the NEFH gene, results from a G to T substitution at nucleotide position 271. The valine at codon 91 is replaced by leucine, an amino acid with highly similar properties. This amino acid position is conserved. In addition, this alteration is predicted to be tolerated by in silico analysis. Since supporting evidence is limited at this time, the clinical significance of this alteration remains unclear.

NM_021076.4(NEFH):c.271G>T (p.Val91Leu)

Gene: NEFH (neurofilament heavy chain; plus strand). Cytogenetic location: 22q12.2.
Variant type: single nucleotide variant.
Coding change: c.271G>T on transcript NM_021076.4 (MANE Select); coding-DNA position 271, G replaced by T.
Protein change: p.Val91Leu; replaces valine 91 with leucine.
Molecular consequence: missense variant.
Genome position (GRCh38, 1-based): chr22:29,480,533, G>T. VCF-style: chr22-29480533-G-T. GRCh37 (hg19) VCF-style: chr22-29876522-G-T.
Other names: short protein forms V91L.
Identifiers: ClinVar variation 1795179 (VCV001795179.5), dbSNP rs1191680062, ClinGen allele CA411122335.